The following is an entry in ClinVar:

ClinVar aggregate classification (germline): Uncertain significance (1 of 4 stars; one submission).

Allele frequency attached by ClinVar (database versions not stated): gnomAD exomes below 0.00001; TOPMed 0.00002; ExAC 0.00003.

Submission:

Labcorp Genetics (formerly Invitae), Labcorp
Classification: Uncertain significance. Last evaluated: 2023-04-18. Review status: criteria provided, single submitter. Criteria: Invitae Variant Classification Sherloc (09022015). Collection method: clinical testing. Allele origin: germline.
Comment: This variant has not been reported in the literature in individuals affected with NSUN3-related conditions. In summary, the available evidence is currently insufficient to determine the role of this variant in disease. Therefore, it has been classified as a Variant of Uncertain Significance. An algorithm developed to predict the effect of missense changes on protein structure and function (PolyPhen-2) suggests that this variant is likely to be disruptive. This variant is present in population databases (rs746592542, gnomAD 0.03%). This sequence change replaces proline, which is neutral and non-polar, with leucine, which is neutral and non-polar, at codon 83 of the NSUN3 protein (p.Pro83Leu).

NM_022072.5(NSUN3):c.248C>T (p.Pro83Leu)

Gene: NSUN3 (NOP2/Sun RNA methyltransferase 3; plus strand). Cytogenetic location: 3q11.2.
Variant type: single nucleotide variant.
Coding change: c.248C>T on transcript NM_022072.5 (MANE Select); coding-DNA position 248, C replaced by T.
Protein change: p.Pro83Leu; replaces proline 83 with leucine.
Molecular consequence: missense variant.
Genome position (GRCh38, 1-based): chr3:94,084,232, C>T. VCF-style: chr3-94084232-C-T. GRCh37 (hg19) VCF-style: chr3-93803076-C-T.
Other names: short protein forms P83L.
Identifiers: ClinVar variation 2720818 (VCV002720818.3), dbSNP rs746592542, ClinGen allele CA2504668.
Genomic context (GRCh38, chr3:94,084,232, plus strand): 5'-TTGAACTGGAAAAGGATTTACATTTGAAGGGCTATCACACACTCTCTCAGGGATCTTTAC[C>T]CAACTATCCTAAATCAGTGAAGTGTTACCTTAGCAGAACTCCGGGCCGAATCCCTTCAGA-3'
Protein context (NP_071355.1, residues 73-93): GYHTLSQGSL[Pro83Leu]NYPKSVKCYL